The following is an entry in ClinVar:

NM_014159.7(SETD2):c.2822A>G (p.Lys941Arg)

Gene: SETD2 (SET domain containing 2, histone lysine methyltransferase; minus strand). Cytogenetic location: 3p21.31.
Variant type: single nucleotide variant.
Coding change: c.2822A>G on transcript NM_014159.7 (MANE Select); coding-DNA position 2822, A replaced by G.
Protein change: p.Lys941Arg; replaces lysine 941 with arginine.
Molecular consequence: missense variant. On other transcripts: non-coding transcript variant (1).
Genome position (GRCh38, 1-based): chr3:47,121,814, T>C on the plus strand (A>G on the coding strand, the complement: SETD2 is on the minus strand). VCF-style: chr3-47121814-T-C. GRCh37 (hg19) VCF-style: chr3-47163304-T-C.
Other names: c.2690A>G, p.Lys897Arg (NM_001349370.3); short protein forms K941R, K897R.
Identifiers: ClinVar variation 542222 (VCV000542222.24), dbSNP rs1398213134, ClinGen allele CA352525019.

ClinVar aggregate classification (germline): Conflicting classifications of pathogenicity. Review status: criteria provided, conflicting classifications (1 of 4 stars). 2 submissions from 2 submitters: Uncertain significance (1); Likely benign (1). Last evaluated 2024-05-01.

Conditions:
Luscan-Lumish syndrome. Identifiers: Orphanet 597738, MedGen C4085873, MONDO:0014791, OMIM 616831.

Allele frequency attached by ClinVar (database versions not stated): gnomAD exomes below 0.00001 and 0.00002; gnomAD 0.00001; TOPMed 0.00001.

Submissions (2):

CeGaT Center for Human Genetics Tuebingen
Classification: Likely benign. Last evaluated: 2024-05-01. Review status: criteria provided, single submitter. Criteria: CeGaT Center For Human Genetics Tuebingen Variant Classification Criteria Version 2. Collection method: clinical testing. Allele origin: germline. Affected: yes. Observed: 1 variant allele.
Comment: SETD2: BP4

Labcorp Genetics (formerly Invitae), Labcorp
Classification: Uncertain significance for Luscan-Lumish syndrome. Last evaluated: 2021-11-30. Review status: criteria provided, single submitter. Criteria: Invitae Variant Classification Sherloc (09022015). Collection method: clinical testing. Allele origin: germline.
Comment: This sequence change replaces lysine, which is basic and polar, with arginine, which is basic and polar, at codon 941 of the SETD2 protein (p.Lys941Arg). In summary, the available evidence is currently insufficient to determine the role of this variant in disease. Therefore, it has been classified as a Variant of Uncertain Significance. Algorithms developed to predict the effect of missense changes on protein structure and function output the following: SIFT: "Tolerated"; PolyPhen-2: "Benign"; Align-GVGD: "Class C0". The arginine amino acid residue is found in multiple mammalian species, which suggests that this missense change does not adversely affect protein function. ClinVar contains an entry for this variant (Variation ID: 542222). This variant has not been reported in the literature in individuals affected with SETD2-related conditions. This variant is present in population databases (no rsID available, gnomAD 0.0009%).